The following is an entry in ClinVar:

NM_014000.3(VCL):c.500-5C>G

Gene: VCL (vinculin; plus strand). Cytogenetic location: 10q22.2.
Variant type: single nucleotide variant.
Coding change: c.500-5C>G on transcript NM_014000.3 (MANE Select); 5 bases into the intron before coding-DNA position 500, C replaced by G.
Molecular consequence: intron variant.
Genome position (GRCh38, 1-based): chr10:74,072,725, C>G. VCF-style: chr10-74072725-C-G. GRCh37 (hg19) VCF-style: chr10-75832483-C-G.
Other names: c.500-5C>G (NM_003373.4).
Identifiers: ClinVar variation 45614 (VCV000045614.5), dbSNP rs397517243, ClinGen allele CA136795.

ClinVar aggregate classification (germline): Uncertain significance (1 of 4 stars; one submission).

Allele frequency attached by ClinVar (database versions not stated): gnomAD exomes below 0.00001.
gnomAD v4.1: 2 of 1,613,660 alleles (0.00012%); highest among the groups gnomAD compares: Non-Finnish European, 0.00017%; no homozygotes.

Submission:

Laboratory for Molecular Medicine, Mass General Brigham Personalized Medicine
Classification: Uncertain significance. Last evaluated: 2012-05-18. Review status: criteria provided, single submitter. Criteria: LMM Criteria. Collection method: clinical testing. Allele origin: germline. Observed: 1 variant allele.
Comment: The 500-5C>G variant (VCL) has not been reported in the literature nor previousl y identified by our laboratory. This variant is located in the 3' splice region. Computational tools do not predict altered splicing. However this information i s not predictive enough to rule out pathogenicity. Additional information is nee ded to fully assess the clinical significance of the 500-5C>G variant.